The following is an entry in ClinVar:

NM_002334.4(LRP4):c.4762C>T (p.Arg1588Trp)

Genes: LRP4 (LDL receptor related protein 4; minus strand), LRP4-AS1 (LRP4 antisense RNA 1; plus strand). Cytogenetic location: 11p11.2.
Variant type: single nucleotide variant.
Coding change: c.4762C>T on transcript NM_002334.4 (MANE Select); coding-DNA position 4762, C replaced by T.
Protein change: p.Arg1588Trp; replaces arginine 1588 with tryptophan.
Molecular consequence: missense variant.
Genome position (GRCh38, 1-based): chr11:46,869,063, G>A on the plus strand (C>T on the coding strand, the complement: LRP4 is on the minus strand). VCF-style: chr11-46869063-G-A. GRCh37 (hg19) VCF-style: chr11-46890614-G-A.
Other names: c.4762C>T (NM_002334.3); short protein forms R1588W.
Identifiers: ClinVar variation 1375091 (VCV001375091.7), dbSNP rs546318025, ClinGen allele CA5969242.

ClinVar aggregate classification (germline): Uncertain significance. Review status: criteria provided, multiple submitters, no conflicts (2 of 4 stars). 3 submissions from 3 submitters: Uncertain significance (3). Last evaluated 2024-07-16.

Conditions:
Cenani-Lenz syndactyly syndrome. Also called: SYNDACTYLY, TYPE VII; CENANI SYNDACTYLISM. Identifiers: Orphanet 3258, MedGen C1859309, MONDO:0008931, OMIM 212780.
Sclerosteosis 2 (SOST2). Identifiers: Orphanet 3152, MedGen C3280402, MONDO:0013679, OMIM 614305.
Congenital myasthenic syndrome 17. Identifiers: Orphanet 590, MedGen C4225377, MONDO:0014578, OMIM 616304.
Inborn genetic diseases. Identifiers: MedGen C0950123, MeSH D030342.

Allele frequency attached by ClinVar (database versions not stated): gnomAD exomes 0.00001; gnomAD 0.00002; TOPMed 0.00002.
gnomAD v4.1: 12 of 1,613,970 alleles (0.00074%); highest among the groups gnomAD compares: Middle Eastern, 0.033%; no homozygotes.

Submissions (3):

Ambry Genetics
Classification: Uncertain significance for Inborn genetic diseases. Last evaluated: 2024-07-16. Review status: criteria provided, single submitter. Criteria: Ambry Variant Classification Scheme 2023. Collection method: clinical testing. Allele origin: germline.

Labcorp Genetics (formerly Invitae), Labcorp
Classification: Uncertain significance for Cenani-Lenz syndactyly syndrome; Sclerosteosis 2; Congenital myasthenic syndrome 17. Last evaluated: 2022-07-26. Review status: criteria provided, single submitter. Criteria: Invitae Variant Classification Sherloc (09022015). Collection method: clinical testing. Allele origin: germline.
Comment: This sequence change replaces arginine, which is basic and polar, with tryptophan, which is neutral and slightly polar, at codon 1588 of the LRP4 protein (p.Arg1588Trp). This variant is present in population databases (rs546318025, gnomAD 0.002%). This variant has not been reported in the literature in individuals affected with LRP4-related conditions. ClinVar contains an entry for this variant (Variation ID: 1375091). Algorithms developed to predict the effect of missense changes on protein structure and function (SIFT, PolyPhen-2, Align-GVGD) all suggest that this variant is likely to be disruptive. In summary, the available evidence is currently insufficient to determine the role of this variant in disease. Therefore, it has been classified as a Variant of Uncertain Significance.

Fulgent Genetics
Classification: Uncertain significance for Cenani-Lenz syndactyly syndrome; Sclerosteosis 2; Congenital myasthenic syndrome 17. Last evaluated: 2022-01-03. Review status: criteria provided, single submitter. Criteria: ACMG Guidelines, 2015. Collection method: clinical testing. Allele origin: unknown.